The following is an entry in ClinVar:

ClinVar aggregate classification (germline): Uncertain significance (1 of 4 stars; one submission).

Allele frequency attached by ClinVar (database versions not stated): ExAC 0.00001; gnomAD 0.00001; gnomAD exomes 0.00001; TOPMed 0.00001.
gnomAD v4.1: 12 of 1,614,096 alleles (0.00074%); highest among the groups gnomAD compares: South Asian, 0.012%; no homozygotes.

Submission:

Labcorp Genetics (formerly Invitae), Labcorp
Classification: Uncertain significance. Last evaluated: 2022-12-14. Review status: criteria provided, single submitter. Criteria: Invitae Variant Classification Sherloc (09022015). Collection method: clinical testing. Allele origin: germline.
Comment: In summary, the available evidence is currently insufficient to determine the role of this variant in disease. Therefore, it has been classified as a Variant of Uncertain Significance. Advanced modeling of protein sequence and biophysical properties (such as structural, functional, and spatial information, amino acid conservation, physicochemical variation, residue mobility, and thermodynamic stability) performed at Invitae indicates that this missense variant is not expected to disrupt JAK1 protein function. This variant has not been reported in the literature in individuals affected with JAK1-related conditions. This variant is present in population databases (rs762437803, gnomAD 0.006%). This sequence change replaces isoleucine, which is neutral and non-polar, with valine, which is neutral and non-polar, at codon 845 of the JAK1 protein (p.Ile845Val).

NM_002227.4(JAK1):c.2533A>G (p.Ile845Val)

Gene: JAK1 (Janus kinase 1; minus strand). Cytogenetic location: 1p31.3.
Variant type: single nucleotide variant.
Coding change: c.2533A>G on transcript NM_002227.4 (MANE Select); coding-DNA position 2533, A replaced by G.
Protein change: p.Ile845Val; replaces isoleucine 845 with valine.
Molecular consequence: missense variant.
Genome position (GRCh38, 1-based): chr1:64,841,472, T>C on the plus strand (A>G on the coding strand, the complement: JAK1 is on the minus strand). VCF-style: chr1-64841472-T-C. GRCh37 (hg19) VCF-style: chr1-65307155-T-C.
Other names: c.2533A>G, p.Ile845Val (NM_001321856.2, NM_001320923.2, NM_001321852.2 and 3 more transcripts); c.2530A>G, p.Ile844Val (NM_001321857.2); short protein forms I845V, I844V.
Identifiers: ClinVar variation 2782840 (VCV002782840.3), dbSNP rs762437803, ClinGen allele CA892653.